The following is an entry in ClinVar:

NM_001692.4(ATP6V1B1):c.1010G>T (p.Gly337Val)

Gene: ATP6V1B1 (ATPase H+ transporting V1 subunit B1; plus strand). Cytogenetic location: 2p13.3.
Variant type: single nucleotide variant.
Coding change: c.1010G>T on transcript NM_001692.4 (MANE Select); coding-DNA position 1010, G replaced by T.
Protein change: p.Gly337Val; replaces glycine 337 with valine.
Molecular consequence: missense variant.
Genome position (GRCh38, 1-based): chr2:70,963,262, G>T. VCF-style: chr2-70963262-G-T. GRCh37 (hg19) VCF-style: chr2-71190392-G-T.
Other names: p.Gly337Val; short protein forms G337V.
Identifiers: ClinVar variation 3380820 (VCV003380820.2).

ClinVar aggregate classification (germline): Uncertain significance. Review status: criteria provided, multiple submitters, no conflicts (2 of 4 stars). 2 submissions from 2 submitters: Uncertain significance (2). Last evaluated 2024-06-12.

Conditions:
Renal tubular acidosis with progressive nerve deafness. Also called: RENAL TUBULAR ACIDOSIS, AUTOSOMAL RECESSIVE, WITH PROGRESSIVE NERVE DEAFNESS; RTA WITH PROGRESSIVE NERVE DEAFNESS; renal tubular acidosis, distal, 2, with progressive sensorineural hearing loss; Distal Renal Tubular Acidosis with Progressive Sensorineural Deafness. Identifiers: MedGen C0403554, MONDO:0009968, OMIM 267300.

gnomAD v4.1: 3 of 1,613,776 alleles (0.00019%); highest among the groups gnomAD compares: Admixed American, 0.0017%; no homozygotes.

Submissions (2):

Mayo Clinic Laboratories, Mayo Clinic
Classification: Uncertain significance. Last evaluated: 2024-06-12. Review status: criteria provided, single submitter. Criteria: ACMG Guidelines, 2015. Collection method: clinical testing. Allele origin: germline. Observed: 1 variant allele.
Comment: PP3, PM2

Fulgent Genetics
Classification: Uncertain significance for Renal tubular acidosis with progressive nerve deafness. Last evaluated: 2024-02-13. Review status: criteria provided, single submitter. Criteria: ACMG Guidelines, 2015. Collection method: clinical testing. Allele origin: germline.